The following is an entry in ClinVar:

ClinVar aggregate classification (germline): Uncertain significance (1 of 4 stars; one submission).

gnomAD v4.1: 1 of 1,551,646 alleles (0.000064%); highest among the groups gnomAD compares: Non-Finnish European, 0.000087%; no homozygotes.

Submission:

Labcorp Genetics (formerly Invitae), Labcorp
Classification: Uncertain significance. Last evaluated: 2025-12-24. Review status: criteria provided, single submitter. Criteria: Invitae Variant Classification Sherloc (09022015). Collection method: clinical testing. Allele origin: germline.
Comment: This sequence change replaces alanine, which is neutral and non-polar, with glycine, which is neutral and non-polar, at codon 17 of the LOXHD1 protein (p.Ala17Gly). This variant is not present in population databases (gnomAD no frequency). This variant has not been reported in the literature in individuals affected with LOXHD1-related conditions. An algorithm developed to predict the effect of missense changes on protein structure and function outputs the following: PolyPhen-2: "Not Available". The glycine amino acid residue is found in multiple mammalian species, which suggests that this missense change does not adversely affect protein function. In summary, the available evidence is currently insufficient to determine the role of this variant in disease. Therefore, it has been classified as a Variant of Uncertain Significance.

NM_001384474.1(LOXHD1):c.50C>G (p.Ala17Gly)

Gene: LOXHD1 (lipoxygenase homology PLAT domains 1; minus strand). Cytogenetic location: 18q21.1.
Variant type: single nucleotide variant.
Coding change: c.50C>G on transcript NM_001384474.1 (MANE Select); coding-DNA position 50, C replaced by G.
Protein change: p.Ala17Gly; replaces alanine 17 with glycine.
Molecular consequence: missense variant.
Genome position (GRCh38, 1-based): chr18:46,656,984, G>C on the plus strand (C>G on the coding strand, the complement: LOXHD1 is on the minus strand). VCF-style: chr18-46656984-G-C. GRCh37 (hg19) VCF-style: chr18-44236947-G-C.
Other names: c.50C>G, p.Ala17Gly (NM_144612.7); short protein forms A17G.
Identifiers: ClinVar variation 4762605 (VCV004762605.1).